The following is an entry in ClinVar:

ClinVar aggregate classification (germline): Pathogenic/Likely pathogenic. Review status: criteria provided, multiple submitters, no conflicts (2 of 4 stars). 2 submissions from 2 submitters: Pathogenic (1); Likely pathogenic (1). Last evaluated 2025-12-18.

Submissions (2):

Labcorp Genetics (formerly Invitae), Labcorp
Classification: Pathogenic. Last evaluated: 2025-12-18. Review status: criteria provided, single submitter. Criteria: Invitae Variant Classification Sherloc (09022015). Collection method: clinical testing. Allele origin: germline.
Comment: This sequence change creates a premature translational stop signal (p.His384Argfs*7) in the SPTB gene. It is expected to result in an absent or disrupted protein product. Loss-of-function variants in SPTB are known to be pathogenic (PMID: 1391962, 1498324, 8844207, 26830532, 27292444). This variant is not present in population databases (gnomAD no frequency). This variant has not been reported in the literature in individuals affected with SPTB-related conditions. Algorithms developed to predict the effect of sequence changes on RNA splicing suggest that this variant may disrupt the consensus splice site. For these reasons, this variant has been classified as Pathogenic.

Mayo Clinic Laboratories, Mayo Clinic
Classification: Likely pathogenic. Last evaluated: 2024-06-04. Review status: criteria provided, single submitter. Criteria: ACMG Guidelines, 2015. Collection method: clinical testing. Allele origin: germline. Observed: 1 variant allele.
Comment: PM2_moderate, PVS1

Literature cited by the submitters: PubMed 1391962 (cited by Labcorp Genetics (formerly Invitae), Labcorp); PubMed 1498324 (cited by Labcorp Genetics (formerly Invitae), Labcorp); PubMed 8844207 (cited by Labcorp Genetics (formerly Invitae), Labcorp); PubMed 26830532 (cited by Labcorp Genetics (formerly Invitae), Labcorp); PubMed 27292444 (cited by Labcorp Genetics (formerly Invitae), Labcorp).

NM_001355436.2(SPTB):c.1146_1147del (p.His384fs)

Gene: SPTB (spectrin beta, erythrocytic; minus strand). Cytogenetic location: 14q23.3.
Variant type: Microsatellite.
Coding change: c.1146_1147del on transcript NM_001355436.2 (MANE Select); coding-DNA positions 1146 to 1147, 2 bases deleted (AC; older notation c.1146_1147delAC).
Protein change: p.His384fs; shifts the reading frame from histidine 384.
Molecular consequence: frameshift variant.
Genome position (GRCh38, 1-based): chr14:64,797,764-64,797,765, GT deleted on the plus strand (AC on the coding strand, the reverse complement: SPTB is on the minus strand); deleting any 2 consecutive bases within chr14:64,797,764-64,797,769 gives the same sequence; the c. name uses the placement nearest the transcript's 3' end. VCF-style (leftmost placement, unchanged base first): chr14-64797763-GGT-G. GRCh37 (hg19) VCF-style: chr14-65264481-GGT-G.
Other names: p.His384Argfs*7; c.1146_1147del, p.His384fs (NM_001024858.4, NM_001355437.2); short protein forms H384fs.
Identifiers: ClinVar variation 3381119 (VCV003381119.2).